The following is an entry in ClinVar:

ClinVar aggregate classification (germline): Uncertain significance (1 of 4 stars; one submission).

Allele frequency attached by ClinVar (database versions not stated): gnomAD exomes below 0.00001.
gnomAD v4.1: 1 of 1,613,828 alleles (0.000062%); highest among the groups gnomAD compares: South Asian, 0.0011%; no homozygotes.

Submission:

Labcorp Genetics (formerly Invitae), Labcorp
Classification: Uncertain significance. Last evaluated: 2022-08-19. Review status: criteria provided, single submitter. Criteria: Invitae Variant Classification Sherloc (09022015). Collection method: clinical testing. Allele origin: germline.
Comment: In summary, the available evidence is currently insufficient to determine the role of this variant in disease. Therefore, it has been classified as a Variant of Uncertain Significance. Algorithms developed to predict the effect of sequence changes on RNA splicing suggest that this variant may disrupt the consensus splice site. Algorithms developed to predict the effect of missense changes on protein structure and function (SIFT, PolyPhen-2, Align-GVGD) all suggest that this variant is likely to be tolerated. This variant has not been reported in the literature in individuals affected with KIAA0753-related conditions. This variant is not present in population databases (gnomAD no frequency). This sequence change replaces lysine, which is basic and polar, with arginine, which is basic and polar, at codon 679 of the KIAA0753 protein (p.Lys679Arg).

NM_014804.3(KIAA0753):c.2036A>G (p.Lys679Arg)

Gene: KIAA0753 (KIAA0753; minus strand). Cytogenetic location: 17p13.1.
Variant type: single nucleotide variant.
Coding change: c.2036A>G on transcript NM_014804.3 (MANE Select); coding-DNA position 2036, A replaced by G.
Protein change: p.Lys679Arg; replaces lysine 679 with arginine.
Molecular consequence: missense variant. On other transcripts: non-coding transcript variant (3).
Genome position (GRCh38, 1-based): chr17:6,600,432, T>C on the plus strand (A>G on the coding strand, the complement: KIAA0753 is on the minus strand). VCF-style: chr17-6600432-T-C. GRCh37 (hg19) VCF-style: chr17-6503752-T-C.
Other names: c.1139A>G, p.Lys380Arg (NM_001351225.2); short protein forms K380R, K679R.
Identifiers: ClinVar variation 1714633 (VCV001714633.5), dbSNP rs2544346543, ClinGen allele CA397406685.